The following is an entry in ClinVar:

ClinVar aggregate classification (germline): Conflicting classifications of pathogenicity. Review status: criteria provided, conflicting classifications (1 of 4 stars). 7 submissions from 7 submitters: Uncertain significance (6); Likely benign (1). Last evaluated 2025-12-19.

Conditions:
Cardiovascular phenotype. Identifiers: MedGen CN230736.
Arrhythmogenic cardiomyopathy with wooly hair and keratoderma. Also called: Dilated cardiomyopathy with woolly hair and keratoderma; Carvajal syndrome; PALMOPLANTAR KERATODERMA WITH LEFT VENTRICULAR CARDIOMYOPATHY AND WOOLLY HAIR; Arrhythmogenic cardiomyopathy with woolly hair and keratoderma. Identifiers: Orphanet 65282, MedGen C1854063, MONDO:0011581, OMIM 605676.
Arrhythmogenic right ventricular dysplasia 8 (ARVD8). Also called: ARRHYTHMOGENIC RIGHT VENTRICULAR DYSPLASIA, FAMILIAL, 8; ARRHYTHMOGENIC RIGHT VENTRICULAR CARDIOMYOPATHY 8; Arrhythmogenic Right Ventricular Dysplasia/Cardiomyopathy 8. Identifiers: MedGen C1843896, MONDO:0011831, OMIM 607450.
Cardiomyopathy (CMYO). Also called: Cardiomyopathies. Identifiers: Orphanet 167848, MedGen C0878544, MONDO:0004994, HP:0001638. Inheritance: Various modes of inheritance.
Keratosis palmoplantaris striata 2. Also called: KERATODERMA, PALMOPLANTAR, STRIATE FORM II; STRIATE PALMOPLANTAR KERATODERMA II; Keratosis palmoplantaris striata II. Identifiers: MedGen C1852127, MONDO:0013034, OMIM 612908.
Lethal acantholytic epidermolysis bullosa (EBLA). Identifiers: Orphanet 158687, MedGen C1864826, MONDO:0012323, OMIM 609638.
Cardiomyopathy, dilated, with wooly hair, keratoderma, and tooth agenesis. Also called: Cardiomyopathy, dilated, with woolly hair, keratoderma, and tooth agenesis; Erythrokeratodermia-cardiomyopathy syndrome. Identifiers: Orphanet 476096, Orphanet 65282, MedGen C4014393, MONDO:0014355, OMIM 615821.
Woolly hair-skin fragility syndrome (WHSF). Identifiers: Orphanet 293165, MedGen C1843292, MONDO:0957307, OMIM 620415.

Allele frequency attached by ClinVar (database versions not stated): TOPMed 0.00005; ExAC 0.00001; gnomAD 0.00006 and 0.00005; gnomAD exomes 0.00001.
gnomAD v4.1: 27 of 1,613,752 alleles (0.0017%); highest among the groups gnomAD compares: Middle Eastern, 0.016%; no homozygotes.

Submissions (7):

Ambry Genetics
Classification: Uncertain significance for Cardiovascular phenotype. Last evaluated: 2025-12-19. Review status: criteria provided, single submitter. Criteria: Ambry Variant Classification Scheme 2023. Collection method: clinical testing. Allele origin: germline.
Comment: The p.E708K variant (also known as c.2122G>A), located in coding exon 15 of the DSP gene, results from a G to A substitution at nucleotide position 2122. The glutamic acid at codon 708 is replaced by lysine, an amino acid with similar properties. This amino acid position is well conserved in available vertebrate species. In addition, the in silico prediction for this alteration is inconclusive. Since supporting evidence is limited at this time, the clinical significance of this alteration remains unclear.

Labcorp Genetics (formerly Invitae), Labcorp
Classification: Likely benign for Arrhythmogenic cardiomyopathy with wooly hair and keratoderma; Arrhythmogenic right ventricular dysplasia 8. Last evaluated: 2025-09-12. Review status: criteria provided, single submitter. Criteria: Invitae Variant Classification Sherloc (09022015). Collection method: clinical testing. Allele origin: germline.

All of Us Research Program, National Institutes of Health
Classification: Uncertain significance for Arrhythmogenic cardiomyopathy with wooly hair and keratoderma. Last evaluated: 2024-04-16. Review status: criteria provided, single submitter. Criteria: ACMG Guidelines, 2015. Collection method: clinical testing. Allele origin: germline. Inheritance: Autosomal dominant inheritance. Observed: 4 variant alleles, 4 heterozygotes.
Comment: This missense variant replaces glutamic acid with lysine at codon 708 of the DSP protein. Computational prediction suggests that this variant may not impact protein structure and function (internally defined REVEL score threshold <= 0.5, PMID: 27666373). To our knowledge, functional studies have not been reported for this variant. This variant has not been reported in individuals affected with cardiovascular disorders in the literature. This variant has been identified in 7/282328 chromosomes in the general population by the Genome Aggregation Database (gnomAD). The available evidence is insufficient to determine the role of this variant in disease conclusively. Therefore, this variant is classified as a Variant of Uncertain Significance.

This study involves interpretation of variants in research participants for the purpose of population health screening. Participant phenotype was not available at the time of variant classification. Additional details can be found in publication PMID: 35346344, PMCID: PMC8962531

Color Diagnostics, LLC DBA Color Health
Classification: Uncertain significance for Cardiomyopathy. Last evaluated: 2024-03-06. Review status: criteria provided, single submitter. Criteria: ACMG Guidelines, 2015. Collection method: clinical testing. Allele origin: germline.
Comment: This missense variant replaces glutamic acid with lysine at codon 708 of the DSP protein. Computational prediction suggests that this variant may not impact protein structure and function (internally defined REVEL score threshold <= 0.5, PMID: 27666373). To our knowledge, functional studies have not been reported for this variant. This variant has not been reported in individuals affected with cardiovascular disorders in the literature. This variant has been identified in 7/282328 chromosomes in the general population by the Genome Aggregation Database (gnomAD). The available evidence is insufficient to determine the role of this variant in disease conclusively. Therefore, this variant is classified as a Variant of Uncertain Significance.

Fulgent Genetics
Classification: Uncertain significance for Arrhythmogenic cardiomyopathy with wooly hair and keratoderma; Arrhythmogenic right ventricular dysplasia 8; Lethal acantholytic epidermolysis bullosa; Keratosis palmoplantaris striata 2; Cardiomyopathy, dilated, with wooly hair, keratoderma, and tooth agenesis. Last evaluated: 2021-10-18. Review status: criteria provided, single submitter. Criteria: ACMG Guidelines, 2015. Collection method: clinical testing. Allele origin: unknown.

Women's Health and Genetics/Laboratory Corporation of America, LabCorp
Classification: Uncertain significance. Last evaluated: 2021-02-22. Review status: criteria provided, single submitter. Criteria: LabCorp Variant Classification Summary - May 2015. Collection method: clinical testing. Allele origin: germline.
Comment: Variant summary: DSP c.2122G>A (p.Glu708Lys) results in a conservative amino acid change in the encoded protein sequence. Four of five in-silico tools predict a benign effect of the variant on protein function. The variant allele was found at a frequency of 2.5e-05 in 282328 control chromosomes (gnomAD). The available data on variant occurrences in the general population are insufficient to allow any conclusion about variant significance. To our knowledge, no occurrence of c.2122G>A in individuals affected with Arrhythmogenic Right Ventricular Dysplasia/Cardiomyopathy and no experimental evidence demonstrating its impact on protein function have been reported. One clinical diagnostic laboratory has submitted clinical-significance assessments for this variant to ClinVar after 2014 without evidence for independent evaluation. One laboratory classified the variant as uncertain significance. Based on the evidence outlined above, the variant was classified as uncertain significance.

GeneDx
Classification: Uncertain significance. Last evaluated: 2020-11-25. Review status: criteria provided, single submitter. Criteria: GeneDx Variant Classification Process June 2021. Collection method: clinical testing. Allele origin: germline. Affected: yes.
Comment: Has not been previously published as pathogenic or benign to our knowledge; Reported in ClinVar as a variant of uncertain significance (ClinVar Variant ID# 264019; Landrum et al., 2016); In silico analysis supports that this missense variant has a deleterious effect on protein structure/function

NM_004415.4(DSP):c.2122G>A (p.Glu708Lys)

Gene: DSP (desmoplakin; plus strand). Cytogenetic location: 6p24.3.
Variant type: single nucleotide variant.
Coding change: c.2122G>A on transcript NM_004415.4 (MANE Select); coding-DNA position 2122, G replaced by A.
Protein change: p.Glu708Lys; replaces glutamic acid 708 with lysine.
Molecular consequence: missense variant.
Genome position (GRCh38, 1-based): chr6:7,572,060, G>A. VCF-style: chr6-7572060-G-A. GRCh37 (hg19) VCF-style: chr6-7572293-G-A.
Other names: c.2122G>A (LRG_423t1); c.2122G>A, p.Glu708Lys (NM_001008844.3, NM_001319034.2); short protein forms E708K.
Identifiers: ClinVar variation 264019 (VCV000264019.23), dbSNP rs773113261, ClinGen allele CA031715.
Genomic context (GRCh38, chr6:7,572,060, plus strand): 5'-CTCAAAAACCTCCCTCTAGCAGACCAGGGATCTTCTCACCACATCACAGTGAAAATTAAC[G>A]AGCTTAAGGTAGGTATCTGCTAGTATTTTGCCTGGTTACCCTGTATATTTTTATTTACCT-3'
Protein context (NP_004406.2, residues 698-718): SSHHITVKIN[Glu708Lys]LKSVQNDSQA